The following is an entry in ClinVar:

NM_002439.5(MSH3):c.2318+5del

Gene: MSH3 (mutS homolog 3; plus strand). Cytogenetic location: 5q14.1.
Variant type: Deletion.
Coding change: c.2318+5del on transcript NM_002439.5 (MANE Select); 5 bases into the intron after coding-DNA position 2318, one base deleted (G; older notation c.2318+5delG).
Molecular consequence: intron variant.
Genome position (GRCh38, 1-based): chr5:80,775,763, G deleted; the last of 2 consecutive G bases (chr5:80,775,762-80,775,763); deleting either gives the same sequence. VCF-style (leftmost placement, unchanged base first): chr5-80775761-AG-A. GRCh37 (hg19) VCF-style: chr5-80071580-AG-A.
Identifiers: ClinVar variation 938273 (VCV000938273.16), dbSNP rs779491624, ClinGen allele CA3328192.

ClinVar aggregate classification (germline): Conflicting classifications of pathogenicity. Review status: criteria provided, conflicting classifications (1 of 4 stars). 6 submissions from 6 submitters: Pathogenic (1); Likely pathogenic (1); Uncertain significance (4). Last evaluated 2026-02-06.

Conditions:
Endometrial carcinoma. Also called: Endometrial carcinoma, somatic. Identifiers: MedGen C0476089, MONDO:0002447, OMIM 608089, HP:0012114.
Hereditary cancer-predisposing syndrome. Also called: Hereditary Cancer Syndrome; Tumor predisposition; Neoplastic Syndromes, Hereditary; Hereditary neoplastic syndrome. Identifiers: Orphanet 140162, MedGen C0027672, MeSH D009386, MONDO:0015356.
Familial adenomatous polyposis 4 (FAP4). Also called: MSH3-related attenuated familial adenomatous polyposis. Identifiers: Orphanet 480536, MedGen C4310719, MONDO:0044300, OMIM 617100.

Submissions (6):

Dasa
Classification: Uncertain significance. Last evaluated: 2026-02-06. Review status: criteria provided, single submitter. Criteria: DASA Assertion Criteria. Collection method: clinical testing. Allele origin: germline.
Comment: NM_002439.5(MSH3):c.2318+5del is a splice-region variant predicted to affect normal RNA splicing. This variant has been recurrently observed in individuals with related phenotype (PMID: 17576681; PMID: 9536098). Multiple computational predictions support a deleterious effect on the gene or gene product. The variant is present at low frequency in population datasets. Based on the available data, this variant is classified as variant of uncertain significance.

Labcorp Genetics (formerly Invitae), Labcorp
Classification: Pathogenic. Last evaluated: 2025-12-31. Review status: criteria provided, single submitter. Criteria: Invitae Variant Classification Sherloc (09022015). Collection method: clinical testing. Allele origin: germline.
Comment: This sequence change falls in intron 16 of the MSH3 gene. It does not directly change the encoded amino acid sequence of the MSH3 protein. RNA analysis indicates that this variant induces altered splicing and may result in an absent or altered protein product. This variant is present in population databases (rs779491624, gnomAD 0.006%). This variant has not been reported in the literature in individuals affected with MSH3-related conditions. ClinVar contains an entry for this variant (Variation ID: 938273). Variants that disrupt the consensus splice site are a relatively common cause of aberrant splicing (PMID: 17576681, 9536098). Studies have shown that this variant results in skipping of exon 16, and produces a non-functional protein and/or introduces a premature termination codon (internal data). For these reasons, this variant has been classified as Pathogenic.

Quest Diagnostics Nichols Institute San Juan Capistrano
Classification: Uncertain significance. Last evaluated: 2025-10-29. Review status: criteria provided, single submitter. Criteria: Quest Diagnostics criteria. Collection method: clinical testing. Allele origin: unknown.
Comment: The MSH3 c.2318+5del variant has not been reported in individuals with MSH3-related conditions in the published literature. External correspondence reports the variant results in exon 16 skipping and introduces a premature termination codon (URL:, Accession: VCV000938273.13, LabCorp Genetics). The frequency of this variant in the general population (Genome Aggregation Database) is uninformative in the assessment of its pathogenicity. Analysis of this variant using software algorithms for the prediction of the effect of nucleotide changes on splicing yielded predictions that this variant may affect proper MSH3 mRNA splicing. Based on the available information, we are unable to determine the clinical significance of this variant.

Ambry Genetics
Classification: Likely pathogenic for Hereditary cancer-predisposing syndrome. Last evaluated: 2024-09-27. Review status: criteria provided, single submitter. Criteria: Ambry Variant Classification Scheme 2023. Collection method: clinical testing. Allele origin: germline.
Comment: The c.2318+5delG intronic variant, located in intron 16 of the MSH3 gene, results from a deletion of one nucleotide within intron 16 of the MSH3 gene. This nucleotide position is highly conserved in available vertebrate species. In silico splice site analysis predicts that this alteration will weaken the native splice donor site. RNA studies have demonstrated that this alteration results in abnormal splicing in the set of samples tested (Ambry internal data). Based on the majority of available evidence to date, this variant is likely to be pathogenic.

Baylor Genetics
Classification: Uncertain significance for Endometrial carcinoma. Last evaluated: 2023-12-16. Review status: criteria provided, single submitter. Criteria: ACMG Guidelines, 2015. Collection method: clinical testing. Allele origin: unknown.

Laboratorio de Genetica e Diagnostico Molecular, Hospital Israelita Albert Einstein
Classification: Uncertain significance for Familial adenomatous polyposis 4. Last evaluated: 2022-11-18. Review status: criteria provided, single submitter. Criteria: ACMG Guidelines, 2015. Collection method: clinical testing. Allele origin: germline. Affected: yes. Observed: 1 variant allele.
Comment: ACMG classification criteria: PM2 moderated, PP3 supporting

Literature cited by the submitters: PubMed 17576681 (cited by Dasa and Labcorp Genetics (formerly Invitae), Labcorp); PubMed 9536098 (cited by Dasa and Labcorp Genetics (formerly Invitae), Labcorp).